The following is an entry in ClinVar:

Conditions:
Long QT syndrome 5 (LQT5). Identifiers: Orphanet 101016, Orphanet 768, MedGen C1867904, MONDO:0013372, OMIM 613695.

Submission:

Roden Lab, Vanderbilt University Medical Center
No classification provided (evidence only). Condition: Long QT syndrome 5. Review status: no classification provided. Collection method: in vitro. Allele origin: not applicable. Functional consequence: Effect on ion channel function.
ClinVar note: "not provided" was previously submitted as the classification for the variant. However, the classification appeared to be based only on an observation of functional data so it was converted to no classification on 2025-07-30.

NM_000219.6(KCNE1):c.105C>T (p.Pro35=)

Gene: KCNE1 (potassium voltage-gated channel subfamily E regulatory subunit 1; minus strand). Cytogenetic location: 21q22.12.
Variant type: single nucleotide variant.
Coding change: c.105C>T on transcript NM_000219.6 (MANE Select); coding-DNA position 105, C replaced by T.
Protein change: p.Pro35=; no amino-acid change (proline 35 retained).
Molecular consequence: synonymous variant.
Genome position (GRCh38, 1-based): chr21:34,449,530, G>A on the plus strand (C>T on the coding strand, the complement: KCNE1 is on the minus strand). VCF-style: chr21-34449530-G-A. GRCh37 (hg19) VCF-style: chr21-35821828-G-A.
Other names: c.105C>T, p.Pro35= (NM_001127668.4, NM_001127669.4, NM_001127670.4 and 4 more transcripts).
Identifiers: ClinVar variation 3374063 (VCV003374063.2).